The following is an entry in ClinVar:

ClinVar aggregate classification (germline): Uncertain significance (1 of 4 stars; one submission).

Allele frequency attached by ClinVar (database versions not stated): gnomAD exomes 0.00001 and 0.00002.
gnomAD v4.1: 11 of 1,614,056 alleles (0.00068%); highest among the groups gnomAD compares: Middle Eastern, 0.017%; no homozygotes.

Submission:

Labcorp Genetics (formerly Invitae), Labcorp
Classification: Uncertain significance. Last evaluated: 2021-09-15. Review status: criteria provided, single submitter. Criteria: Invitae Variant Classification Sherloc (09022015). Collection method: clinical testing. Allele origin: germline.
Comment: This sequence change replaces glycine with arginine at codon 385 of the SKIV2L protein (p.Gly385Arg). The glycine residue is highly conserved and there is a moderate physicochemical difference between glycine and arginine. This variant is not present in population databases (ExAC no frequency). This variant has not been reported in the literature in individuals affected with SKIV2L-related conditions. Algorithms developed to predict the effect of missense changes on protein structure and function are either unavailable or do not agree on the potential impact of this missense change (SIFT: "Deleterious"; PolyPhen-2: "Probably Damaging"; Align-GVGD: "Class C15"). Algorithms developed to predict the effect of sequence changes on RNA splicing suggest that this variant may create or strengthen a splice site. In summary, the available evidence is currently insufficient to determine the role of this variant in disease. Therefore, it has been classified as a Variant of Uncertain Significance.

NM_006929.5(SKIC2):c.1153G>A (p.Gly385Arg)

Genes: SKIC2 (SKI2 subunit of superkiller complex; plus strand), LOC126859653 (CDK7 strongly-dependent group 2 enhancer GRCh37_chr6:31929542-31930741; plus strand). Cytogenetic location: 6p21.33.
Variant type: single nucleotide variant.
Coding change: c.1153G>A on transcript NM_006929.5 (MANE Select); coding-DNA position 1153, G replaced by A.
Protein change: p.Gly385Arg; replaces glycine 385 with arginine.
Molecular consequence: missense variant.
Genome position (GRCh38, 1-based): chr6:31,962,527, G>A. VCF-style: chr6-31962527-G-A. GRCh37 (hg19) VCF-style: chr6-31930304-G-A.
Other names: short protein forms G385R.
Identifiers: ClinVar variation 1412836 (VCV001412836.3), dbSNP rs761966719, ClinGen allele CA363451389.
Genomic context (GRCh38, chr6:31,962,527, plus strand): 5'-CTGAGCAACCAGAAGTTCCGGGACTTCCGAAACACATTCGGGGATGTGGGGCTGCTCACC[G>A]GGGATGTACAGCTGCATCCGGAGGCCTCCTGCCTCATCATGACCACAGAGATCCTTCGGT-3'
Protein context (NP_008860.4, residues 375-395): NTFGDVGLLT[Gly385Arg]DVQLHPEASC